The following is an entry in ClinVar:

NM_001018113.3(FANCB):c.1624C>T (p.Pro542Ser)

Gene: FANCB (FA complementation group B; minus strand). Cytogenetic location: Xp22.2.
Variant type: single nucleotide variant.
Coding change: c.1624C>T on transcript NM_001018113.3 (MANE Select); coding-DNA position 1624, C replaced by T.
Protein change: p.Pro542Ser; replaces proline 542 with serine.
Molecular consequence: missense variant.
Genome position (GRCh38, 1-based): chrX:14,845,159, G>A on the plus strand (C>T on the coding strand, the complement: FANCB is on the minus strand). VCF-style: chrX-14845159-G-A. GRCh37 (hg19) VCF-style: chrX-14863281-G-A.
Other names: c.1624C>T, p.Pro542Ser (NM_001324162.2, NM_152633.4); short protein forms P542S.
Identifiers: ClinVar variation 1675073 (VCV001675073.3), dbSNP rs868761818, ClinGen allele CA327058005.
Genomic context (GRCh38, chrX:14,845,159, plus strand): 5'-CCTCTTTCTTGCTATCAGGGGTCAACGTGACCCTTTTTGCTTCCAATCCTATTTCACATG[G>A]CATCAAGTATGGTGCTGGGAAAGGATTTGTACTCAACTTAATCACCCTATTTTGACACTT-3'
Protein context (NP_001018123.1, residues 532-552): TNPFPAPYLM[Pro542Ser]CEIGLEAKRV

ClinVar aggregate classification (germline): Uncertain significance. Review status: criteria provided, multiple submitters, no conflicts (2 of 4 stars). 2 submissions from 2 submitters: Uncertain significance (2). Last evaluated 2024-07-03.

Conditions:
Fanconi anemia complementation group B (FANCB). Also called: FANCB-Related Fanconi Anemia; FANCONI PANCYTOPENIA, TYPE 2. Identifiers: Orphanet 84, MedGen C1845292, MONDO:0010351, OMIM 300514.
Fanconi anemia (FA). Also called: Fanconi's anemia. Identifiers: Orphanet 84, MedGen C0015625, MeSH D005199, MONDO:0019391.

Submissions (2):

Labcorp Genetics (formerly Invitae), Labcorp
Classification: Uncertain significance for Fanconi anemia. Last evaluated: 2024-07-03. Review status: criteria provided, single submitter. Criteria: Invitae Variant Classification Sherloc (09022015). Collection method: clinical testing. Allele origin: germline.
Comment: This sequence change replaces proline, which is neutral and non-polar, with serine, which is neutral and polar, at codon 542 of the FANCB protein (p.Pro542Ser). This variant is not present in population databases (gnomAD no frequency). This variant has not been reported in the literature in individuals affected with FANCB-related conditions. ClinVar contains an entry for this variant (Variation ID: 1675073). Advanced modeling of protein sequence and biophysical properties (such as structural, functional, and spatial information, amino acid conservation, physicochemical variation, residue mobility, and thermodynamic stability) performed at Invitae indicates that this missense variant is not expected to disrupt FANCB protein function with a negative predictive value of 80%. In summary, the available evidence is currently insufficient to determine the role of this variant in disease. Therefore, it has been classified as a Variant of Uncertain Significance.

Center for Genomics, Ann and Robert H. Lurie Children's Hospital of Chicago
Classification: Uncertain significance for Fanconi anemia complementation group B. Last evaluated: 2021-04-28. Review status: criteria provided, single submitter. Criteria: ACMG Guidelines, 2015. Collection method: clinical testing. Allele origin: germline.
Comment: FANCB NM_001018113.2 exon 8 p.Pro542Ser (c.1624C>T): This variant has not been reported in the literature and is not present in large control databases. Evolutionary conservation and computational predictive tools suggest that this variant may not impact the protein. In summary, data on this variant is insufficient for disease classification. Therefore, the clinical significance of this variant is uncertain.